The following is an entry in ClinVar:

ClinVar aggregate classification (germline): Uncertain significance (1 of 4 stars; one submission).

Submission:

Labcorp Genetics (formerly Invitae), Labcorp
Classification: Uncertain significance. Last evaluated: 2024-06-11. Review status: criteria provided, single submitter. Criteria: Invitae Variant Classification Sherloc (09022015). Collection method: clinical testing. Allele origin: germline.
Comment: This sequence change replaces alanine, which is neutral and non-polar, with serine, which is neutral and polar, at codon 1520 of the ANKRD26 protein (p.Ala1520Ser). This variant is not present in population databases (gnomAD no frequency). This variant has not been reported in the literature in individuals affected with ANKRD26-related conditions. An algorithm developed to predict the effect of missense changes on protein structure and function (PolyPhen-2) suggests that this variant is likely to be tolerated. In summary, the available evidence is currently insufficient to determine the role of this variant in disease. Therefore, it has been classified as a Variant of Uncertain Significance.

NM_014915.3(ANKRD26):c.4558G>T (p.Ala1520Ser)

Gene: ANKRD26 (ankyrin repeat domain 26; minus strand). Cytogenetic location: 10p12.1.
Variant type: single nucleotide variant.
Coding change: c.4558G>T on transcript NM_014915.3 (MANE Select); coding-DNA position 4558, G replaced by T.
Protein change: p.Ala1520Ser; replaces alanine 1520 with serine.
Molecular consequence: missense variant.
Genome position (GRCh38, 1-based): chr10:27,014,660, C>A on the plus strand (G>T on the coding strand, the complement: ANKRD26 is on the minus strand). VCF-style: chr10-27014660-C-A. GRCh37 (hg19) VCF-style: chr10-27303589-C-A.
Other names: c.4555G>T, p.Ala1519Ser (NM_001256053.2); short protein forms A1519S, A1520S.
Identifiers: ClinVar variation 3717332 (VCV003717332.2).